The following is an entry in ClinVar:

NM_152263.4(TPM3):c.518T>A (p.Ile173Asn)

Gene: TPM3 (tropomyosin 3; minus strand). Cytogenetic location: 1q21.3.
Variant type: single nucleotide variant.
Coding change: c.518T>A on transcript NM_152263.4 (MANE Select); coding-DNA position 518, T replaced by A.
Protein change: p.Ile173Asn; replaces isoleucine 173 with asparagine.
Molecular consequence: missense variant. On other transcripts: non-coding transcript variant (1).
Genome position (GRCh38, 1-based): chr1:154,172,956, A>T on the plus strand (T>A on the coding strand, the complement: TPM3 is on the minus strand). VCF-style: chr1-154172956-A-T. GRCh37 (hg19) VCF-style: chr1-154145432-A-T.
Other names: c.407T>A, p.Ile136Asn (NM_001043351.2, NM_001043352.2, NM_001043353.2 and 5 more transcripts); c.209T>A, p.Ile70Asn (NM_001278188.2); c.137T>A, p.Ile46Asn (NM_001278191.2); c.518T>A, p.Ile173Asn (NM_001364679.2, NM_001364680.2, NM_001364681.2 and 1 more transcripts); short protein forms I46N, I173N, I136N, I70N.
Identifiers: ClinVar variation 1974095 (VCV001974095.5), dbSNP rs1661773053, ClinGen allele CA342584197.

ClinVar aggregate classification (germline): Uncertain significance (1 of 4 stars; one submission).

Conditions:
Congenital myopathy 4B, autosomal recessive. Also called: Nemaline myopathy 1, autosomal dominant or recessive. Identifiers: Orphanet 171433, Orphanet 171439, Orphanet 171881, MedGen C5829889, MONDO:0012239, OMIM 609284.
Congenital myopathy with fiber type disproportion. Also called: Congenital fiber-type disproportion myopathy; Congenital fiber-type disproportion. Identifiers: Orphanet 2020, MedGen C0546264, MONDO:0009711. Inheritance: all.

Submission:

Labcorp Genetics (formerly Invitae), Labcorp
Classification: Uncertain significance for Congenital myopathy with fiber type disproportion; Congenital myopathy 4B, autosomal recessive. Last evaluated: 2022-08-30. Review status: criteria provided, single submitter. Criteria: Invitae Variant Classification Sherloc (09022015). Collection method: clinical testing. Allele origin: germline.
Comment: This sequence change replaces isoleucine, which is neutral and non-polar, with asparagine, which is neutral and polar, at codon 173 of the TPM3 protein (p.Ile173Asn). In summary, the available evidence is currently insufficient to determine the role of this variant in disease. Therefore, it has been classified as a Variant of Uncertain Significance. Advanced modeling of protein sequence and biophysical properties (such as structural, functional, and spatial information, amino acid conservation, physicochemical variation, residue mobility, and thermodynamic stability) performed at Invitae indicates that this missense variant is expected to disrupt TPM3 protein function. This variant has not been reported in the literature in individuals affected with TPM3-related conditions. This variant is not present in population databases (gnomAD no frequency).